The following is an entry in ClinVar:

ClinVar aggregate classification (germline): Uncertain significance. Review status: criteria provided, multiple submitters, no conflicts (2 of 4 stars). 2 submissions from 2 submitters: Uncertain significance (2). Last evaluated 2023-04-18.

Submissions (2):

GeneDx
Classification: Uncertain significance. Last evaluated: 2023-04-18. Review status: criteria provided, single submitter. Criteria: GeneDx Variant Classification Process June 2021. Collection method: clinical testing. Allele origin: germline. Affected: yes.
Comment: Not observed at significant frequency in large population cohorts (gnomAD); In silico analysis supports that this missense variant has a deleterious effect on protein structure/function; Occurs in the triple helical domain at the Y position in the canonical Gly-X-Y repeat; although this variant may have an effect on normal protein folding and function, missense substitution at the Y position is not a common mechanism of disease (HGMD); Has not been previously published as pathogenic or benign to our knowledge

Labcorp Genetics (formerly Invitae), Labcorp
Classification: Uncertain significance. Last evaluated: 2020-05-24. Review status: criteria provided, single submitter. Criteria: Invitae Variant Classification Sherloc (09022015). Collection method: clinical testing. Allele origin: germline.
Comment: In summary, the available evidence is currently insufficient to determine the role of this variant in disease. Therefore, it has been classified as a Variant of Uncertain Significance. Algorithms developed to predict the effect of missense changes on protein structure and function (SIFT, PolyPhen-2, Align-GVGD) all suggest that this variant is likely to be disruptive, but these predictions have not been confirmed by published functional studies and their clinical significance is uncertain. This variant has not been reported in the literature in individuals with COL2A1-related conditions. This variant is not present in population databases (ExAC no frequency). This sequence change replaces proline with arginine at codon 722 of the COL2A1 protein (p.Pro722Arg). The proline residue is highly conserved and there is a moderate physicochemical difference between proline and arginine.

NM_001844.5(COL2A1):c.2165C>G (p.Pro722Arg)

Gene: COL2A1 (collagen type II alpha 1 chain; minus strand). Cytogenetic location: 12q13.11.
Variant type: single nucleotide variant.
Coding change: c.2165C>G on transcript NM_001844.5 (MANE Select); coding-DNA position 2165, C replaced by G.
Protein change: p.Pro722Arg; replaces proline 722 with arginine.
Molecular consequence: missense variant.
Genome position (GRCh38, 1-based): chr12:47,982,876, G>C on the plus strand (C>G on the coding strand, the complement: COL2A1 is on the minus strand). VCF-style: chr12-47982876-G-C. GRCh37 (hg19) VCF-style: chr12-48376659-G-C.
Other names: c.1958C>G, p.Pro653Arg (NM_033150.3); c.2165C>G (NM_001844.4); short protein forms P653R, P722R.
Identifiers: ClinVar variation 1023113 (VCV001023113.10), dbSNP rs1939173724, ClinGen allele CA384546941.